The following is an entry in ClinVar:

NM_004519.4(KCNQ3):c.*3165G>T

Gene: KCNQ3 (potassium voltage-gated channel subfamily Q member 3; minus strand). Cytogenetic location: 8q24.22.
Variant type: single nucleotide variant.
Coding change: c.*3165G>T on transcript NM_004519.4 (MANE Select); 3165 bases downstream of the stop codon, G replaced by T.
Molecular consequence: 3 prime UTR variant.
Genome position (GRCh38, 1-based): chr8:132,126,097, C>A on the plus strand (G>T on the coding strand, the complement: KCNQ3 is on the minus strand). VCF-style: chr8-132126097-C-A. GRCh37 (hg19) VCF-style: chr8-133138344-C-A.
Other names: c.*3165G>T (NM_001204824.2).
Identifiers: ClinVar variation 361832 (VCV000361832.6), dbSNP rs567074601, ClinGen allele CA10630207.

ClinVar aggregate classification (germline): Benign (1 of 4 stars; one submission).

Conditions:
Seizures, benign familial neonatal, 2. Also called: CONVULSIONS, BENIGN FAMILIAL NEONATAL, 2; KCNQ3-Related Self-Limited Familial Neonatal Epilepsy (SLFNE); Benign Neonatal Epilepsy 2; KCNQ3-Related Benign Familial Neonatal Epilepsy; Seizures, benign neonatal, 2. Identifiers: Orphanet 1949, MedGen C1852581, MONDO:0007366, OMIM 121201.

Allele frequency attached by ClinVar (database versions not stated): gnomAD 0.00091 and 0.00084; 1000 Genomes Project 30x 0.00062; TOPMed 0.00100; 1000 Genomes Project 0.00060.

Submission:

Illumina Laboratory Services, Illumina
Classification: Benign for Seizures, benign familial neonatal, 2. Last evaluated: 2018-01-13. Review status: criteria provided, single submitter. Criteria: ICSL Variant Classification Criteria 13 December 2019. Collection method: clinical testing. Allele origin: germline.
Comment: This variant was observed in the ICSL laboratory as part of a predisposition screen in an ostensibly healthy population. It had not been previously curated by ICSL or reported in the Human Gene Mutation Database (HGMD: prior to June 1st, 2018), and was therefore a candidate for classification through an automated scoring system. Utilizing variant allele frequency, disease prevalence and penetrance estimates, and inheritance mode, an automated score was calculated to assess if this variant is too frequent to cause the disease. Based on the score and internal cut-off values, a variant classified as benign is not then subjected to further curation. The score for this variant resulted in a classification of benign for this disease.